The following is an entry in ClinVar:

NM_001367949.2(FAT3):c.552C>T (p.Asp184=)

Gene: FAT3 (FAT atypical cadherin 3; plus strand). Cytogenetic location: 11q14.3.
Variant type: single nucleotide variant.
Coding change: c.552C>T on transcript NM_001367949.2 (MANE Select); coding-DNA position 552, C replaced by T.
Protein change: p.Asp184=; no amino-acid change (aspartic acid 184 retained).
Molecular consequence: synonymous variant.
Genome position (GRCh38, 1-based): chr11:92,352,664, C>T. VCF-style: chr11-92352664-C-T. GRCh37 (hg19) VCF-style: chr11-92085830-C-T.
Other names: c.552C>T, p.Asp184= (NM_001008781.3, NM_001378141.1).
Identifiers: ClinVar variation 3039646 (VCV003039646.2), dbSNP rs536537428, ClinGen allele CA6226125.
Genomic context (GRCh38, chr11:92,352,664, plus strand): 5'-TGTTACCATAGCAGAAAGCACACCTCTAAGGACTAGTGTTGCCCAGGTGACTGCAACAGA[C>T]GCAGATATTGGTTCCAATGGAGAATTCTACTACTACTTTAAAAATAAAGTTGATCTCTTT-3'
Protein context (NP_001354878.1, residues 174-194): RTSVAQVTAT[Asp184=]ADIGSNGEFY

ClinVar aggregate classification (germline): Likely benign (0 of 4 stars; one submission).

Conditions:
FAT3-related disorder. Also called: FAT3-related condition.

Allele frequency attached by ClinVar (database versions not stated): TOPMed 0.00012; gnomAD 0.00017; ExAC 0.00038; 1000 Genomes Project 30x 0.00047; 1000 Genomes Project 0.00060.
gnomAD v4.1: 226 of 1,613,766 alleles (0.014%); highest among the groups gnomAD compares: South Asian, 0.15%; 2 homozygotes.

Submission:

PreventionGenetics, part of Exact Sciences
Classification: Likely benign for FAT3-related condition. Last evaluated: 2019-05-28. Review status: no assertion criteria provided. Collection method: clinical testing. Allele origin: germline.
Comment: This variant is classified as likely benign based on ACMG/AMP sequence variant interpretation guidelines (Richards et al. 2015 PMID: 25741868, with internal and published modifications).